The following is an entry in ClinVar:

NM_000429.3(MAT1A):c.385G>A (p.Asp129Asn)

Gene: MAT1A (methionine adenosyltransferase 1A; minus strand). Cytogenetic location: 10q22.3.
Variant type: single nucleotide variant.
Coding change: c.385G>A on transcript NM_000429.3 (MANE Select); coding-DNA position 385, G replaced by A.
Protein change: p.Asp129Asn; replaces aspartic acid 129 with asparagine.
Molecular consequence: missense variant.
Genome position (GRCh38, 1-based): chr10:80,280,700, C>T on the plus strand (G>A on the coding strand, the complement: MAT1A is on the minus strand). VCF-style: chr10-80280700-C-T. GRCh37 (hg19) VCF-style: chr10-82040456-C-T.
Other names: short protein forms D129N.
Identifiers: ClinVar variation 3367879 (VCV003367879.1).

ClinVar aggregate classification (germline): Uncertain significance (1 of 4 stars; one submission).

Submission:

GeneDx
Classification: Uncertain significance. Last evaluated: 2024-01-11. Review status: criteria provided, single submitter. Criteria: GeneDx Variant Classification Process June 2021. Collection method: clinical testing. Allele origin: germline. Affected: yes.
Comment: Not observed at significant frequency in large population cohorts (gnomAD); In silico analysis supports that this missense variant has a deleterious effect on protein structure/function; Has not been previously published as pathogenic or benign to our knowledge